The following is an entry in ClinVar:

NM_020297.4(ABCC9):c.4512+745_4512+746del

Genes: ABCC9 (ATP binding cassette subfamily C member 9; minus strand), KCNJ8-AS1 (KCNJ8 antisense RNA 1; plus strand). Cytogenetic location: 12p12.1.
Variant type: Deletion.
Coding change: c.4512+745_4512+746del on transcript NM_020297.4 (MANE Select); bases 745 to 746 of the intron after coding-DNA position 4512, 2 bases deleted (TA; older notation c.4512+745_4512+746delTA).
Molecular consequence: intron variant. On other transcripts: frameshift variant (1).
Genome position (GRCh38, 1-based): chr12:21,805,252-21,805,253, TA deleted on the plus strand (TA on the coding strand, the reverse complement: ABCC9 is on the minus strand). VCF-style (leftmost placement, unchanged base first): chr12-21805251-CTA-C. GRCh37 (hg19) VCF-style: chr12-21958185-CTA-C.
Other names: c.4571_4572del, p.Leu1524fs (NM_005691.4); c.3645+745_3645+746del (NM_001377274.1); c.4512+745_4512+746del (NM_001377273.1); c.4571_4572delTA (NM_005691.3); short protein forms L1524fs.
Identifiers: ClinVar variation 711457 (VCV000711457.34), dbSNP rs778425119, ClinGen allele CA6480811.

ClinVar aggregate classification (germline): Likely benign. Review status: criteria provided, multiple submitters, no conflicts (2 of 4 stars). 4 submissions from 4 submitters: Likely benign (4). Last evaluated 2024-10-14.

Conditions:
Dilated cardiomyopathy 1O (CMD1O). Also called: CARDIOMYOPATHY, DILATED, WITH VENTRICULAR TACHYCARDIA. Identifiers: Orphanet 154, MedGen C1837839, MONDO:0012062, OMIM 608569.
Cardiovascular phenotype. Identifiers: MedGen CN230736.

Allele frequency attached by ClinVar (database versions not stated): gnomAD 0.00045 and 0.00046; gnomAD exomes 0.00054 and 0.00069; ExAC 0.00064.

Submissions (4):

Blueprint Genetics
Classification: Likely benign. Last evaluated: 2024-10-14. Review status: criteria provided, single submitter. Criteria: ACMG Guidelines, 2015. Collection method: clinical testing. Allele origin: germline.

CeGaT Center for Human Genetics Tuebingen
Classification: Likely benign. Last evaluated: 2023-10-01. Review status: criteria provided, single submitter. Criteria: CeGaT Center For Human Genetics Tuebingen Variant Classification Criteria Version 2. Collection method: clinical testing. Allele origin: germline. Affected: yes. Observed: 1 variant allele.
Comment: ABCC9: BS2

Ambry Genetics
Classification: Likely benign for Cardiovascular phenotype. Last evaluated: 2022-03-28. Review status: criteria provided, single submitter. Criteria: Ambry Variant Classification Scheme 2023. Collection method: clinical testing. Allele origin: germline.

Labcorp Genetics (formerly Invitae), Labcorp
Classification: Likely benign for Dilated cardiomyopathy 1O. Last evaluated: 2018-12-15. Review status: criteria provided, single submitter. Criteria: Invitae Variant Classification Sherloc (09022015). Collection method: clinical testing. Allele origin: germline.